The following is an entry in ClinVar:

NM_000719.7(CACNA1C):c.6355G>A (p.Ala2119Thr)

Genes: CACNA1C (calcium voltage-gated channel subunit alpha1 C; plus strand), CACNA1C-AS1 (CACNA1C antisense RNA 1; minus strand). Cytogenetic location: 12p13.33.
Variant type: single nucleotide variant.
Coding change: c.6355G>A on transcript NM_000719.7 (MANE Select); coding-DNA position 6355, G replaced by A.
Protein change: p.Ala2119Thr; replaces alanine 2119 with threonine.
Molecular consequence: missense variant. On other transcripts: non-coding transcript variant (1).
Genome position (GRCh38, 1-based): chr12:2,691,137, G>A. VCF-style: chr12-2691137-G-A. GRCh37 (hg19) VCF-style: chr12-2800303-G-A.
Other names: c.6499G>A, p.Ala2167Thr (NM_001129827.2); c.6478G>A, p.Ala2160Thr (NM_001129829.2); c.6460G>A, p.Ala2154Thr (NM_001129830.3, NM_001167624.3); c.6439G>A, p.Ala2147Thr (NM_001129831.2); c.6415G>A, p.Ala2139Thr (NM_001129832.2); c.6412G>A, p.Ala2138Thr (NM_001129833.2, NM_001129834.2, NM_001129835.2); c.6406G>A, p.Ala2136Thr (NM_001129836.2); c.6379G>A, p.Ala2127Thr (NM_001129837.2, NM_001129838.2); and 6 more; short protein forms A2119T, A2154T, A2167T, A2125T, A2202T, A2127T, A2138T, A2147T.
Identifiers: ClinVar variation 456999 (VCV000456999.13), dbSNP rs1470889027, ClinGen allele CA383387549.

ClinVar aggregate classification (germline): Conflicting classifications of pathogenicity. Review status: criteria provided, conflicting classifications (1 of 4 stars). 4 submissions from 4 submitters: Uncertain significance (3); Likely benign (1). Last evaluated 2026-05-22.

Conditions:
CACNA1C-related disorder. Also called: CACNA1C-related disorders; CACNA1C-related condition. Identifiers: MedGen CN381092, MONDO:0700321.
Cardiovascular phenotype. Identifiers: MedGen CN230736.
Long QT syndrome (LQTS). Identifiers: MedGen C0023976, MeSH D008133, MONDO:0002442. Disease mechanism: loss of function. Inheritance: Various modes of inheritance.

Allele frequency attached by ClinVar (database versions not stated): gnomAD exomes below 0.00001.
gnomAD v4.1: 12 of 1,607,270 alleles (0.00075%); highest among the groups gnomAD compares: African/African-American, 0.0013%; no homozygotes.

Submissions (4):

PreventionGenetics, part of Exact Sciences
Classification: Uncertain significance for CACNA1C-related condition. Last evaluated: 2026-05-22. Review status: criteria provided, single submitter. Criteria: ACMG Guidelines, 2015. Collection method: clinical testing. Allele origin: germline.
Comment: The CACNA1C c.6355G>A variant is predicted to result in the amino acid substitution p.Ala2119Thr. This variant has been reported as a variant of uncertain significance in a cohort of individuals referred for genetic testing of cardiomyopathy and/or arrhythmia; however, detailed clinical information was not available (Supplement 2, Dellefave-Castillo et al. 2022. PubMed ID: 35947370). This variant is reported in 0.00091% of alleles in individuals of European (Non-Finnish) descent in gnomAD. At this time, the clinical significance of this variant is uncertain due to the absence of conclusive functional and genetic evidence.

Labcorp Genetics (formerly Invitae), Labcorp
Classification: Uncertain significance for Long QT syndrome. Last evaluated: 2025-12-19. Review status: criteria provided, single submitter. Criteria: Invitae Variant Classification Sherloc (09022015). Collection method: clinical testing. Allele origin: germline.
Comment: This sequence change replaces alanine, which is neutral and non-polar, with threonine, which is neutral and polar, at codon 2119 of the CACNA1C protein (p.Ala2119Thr). This variant is present in population databases (no rsID available, gnomAD 0.0009%). This variant has not been reported in the literature in individuals affected with CACNA1C-related conditions. ClinVar contains an entry for this variant (Variation ID: 456999). Invitae Evidence Modeling of protein sequence and biophysical properties (such as structural, functional, and spatial information, amino acid conservation, physicochemical variation, residue mobility, and thermodynamic stability) indicates that this missense variant is not expected to disrupt CACNA1C protein function with a negative predictive value of 95%. In summary, the available evidence is currently insufficient to determine the role of this variant in disease. Therefore, it has been classified as a Variant of Uncertain Significance.

Blueprint Genetics
Classification: Likely benign. Last evaluated: 2023-04-28. Review status: criteria provided, single submitter. Criteria: ACMG Guidelines, 2015. Collection method: clinical testing. Allele origin: germline.

Ambry Genetics
Classification: Uncertain significance for Cardiovascular phenotype. Last evaluated: 2021-07-07. Review status: criteria provided, single submitter. Criteria: Ambry Variant Classification Scheme 2023. Collection method: clinical testing. Allele origin: germline.
Comment: The p.A2119T variant (also known as c.6355G>A), located in coding exon 47 of the CACNA1C gene, results from a G to A substitution at nucleotide position 6355. The alanine at codon 2119 is replaced by threonine, an amino acid with similar properties. This amino acid position is poorly conserved in available vertebrate species. In addition, this alteration is predicted to be tolerated by in silico analysis. Since supporting evidence is limited at this time, the clinical significance of this alteration remains unclear.